The following is an entry in ClinVar:

NM_001004334.4(GPR179):c.4765A>G (p.Lys1589Glu)

Gene: GPR179 (G protein-coupled receptor 179; minus strand). Cytogenetic location: 17q12.
Variant type: single nucleotide variant.
Coding change: c.4765A>G on transcript NM_001004334.4 (MANE Select); coding-DNA position 4765, A replaced by G.
Protein change: p.Lys1589Glu; replaces lysine 1589 with glutamic acid.
Molecular consequence: missense variant.
Genome position (GRCh38, 1-based): chr17:38,328,804, T>C on the plus strand (A>G on the coding strand, the complement: GPR179 is on the minus strand). VCF-style: chr17-38328804-T-C. GRCh37 (hg19) VCF-style: chr17-36484687-T-C.
Other names: short protein forms K1589E.
Identifiers: ClinVar variation 1368637 (VCV001368637.6), dbSNP rs968668801, ClinGen allele CA290103928.

ClinVar aggregate classification (germline): Uncertain significance (1 of 4 stars; one submission).

Allele frequency attached by ClinVar (database versions not stated): gnomAD exomes below 0.00001.
gnomAD v4.1: 1 of 1,614,152 alleles (0.000062%); highest among the groups gnomAD compares: Non-Finnish European, 0.000085%; no homozygotes.

Submission:

Labcorp Genetics (formerly Invitae), Labcorp
Classification: Uncertain significance. Last evaluated: 2023-08-17. Review status: criteria provided, single submitter. Criteria: Invitae Variant Classification Sherloc (09022015). Collection method: clinical testing. Allele origin: germline.
Comment: In summary, the available evidence is currently insufficient to determine the role of this variant in disease. Therefore, it has been classified as a Variant of Uncertain Significance. An algorithm developed to predict the effect of missense changes on protein structure and function (PolyPhen-2) suggests that this variant is likely to be tolerated. ClinVar contains an entry for this variant (Variation ID: 1368637). This variant has not been reported in the literature in individuals affected with GPR179-related conditions. This variant is not present in population databases (gnomAD no frequency). This sequence change replaces lysine, which is basic and polar, with glutamic acid, which is acidic and polar, at codon 1589 of the GPR179 protein (p.Lys1589Glu).